The following is an entry in ClinVar:

ClinVar aggregate classification (germline): Conflicting classifications of pathogenicity. Review status: criteria provided, conflicting classifications (1 of 4 stars). 8 submissions from 8 submitters: Uncertain significance (1); Benign (1); Likely benign (2). 4 of the submissions do not count toward it. Last evaluated 2026-04-01.

Conditions:
DNA2-related disorder. Also called: DNA2-related condition.
Inborn genetic diseases. Identifiers: MedGen C0950123, MeSH D030342.

Allele frequency attached by ClinVar (database versions not stated): gnomAD exomes 0.00087 and 0.00131; ESP Exome Variant Server 0.00093; ExAC 0.00097; 1000 Genomes Project 0.00020; 1000 Genomes Project 30x 0.00031; TOPMed 0.00065; gnomAD 0.00068 and 0.00071.
gnomAD v4.1: 2,022 of 1,608,578 alleles (0.13%); highest among the groups gnomAD compares: South Asian, 0.32%; 8 homozygotes.

Submissions (8):

CeGaT Center for Human Genetics Tuebingen
Classification: Benign. Last evaluated: 2026-04-01. Review status: criteria provided, single submitter. Criteria: CeGaT Center For Human Genetics Tuebingen Variant Classification Criteria Version 2. Collection method: clinical testing. Allele origin: germline. Affected: yes. Observed: 3 variant alleles.
Comment: DNA2: BS1, BS2

Labcorp Genetics (formerly Invitae), Labcorp
Classification: Likely benign. Last evaluated: 2026-01-21. Review status: criteria provided, single submitter. Criteria: Invitae Variant Classification Sherloc (09022015). Collection method: clinical testing. Allele origin: germline.

Ambry Genetics
Classification: Uncertain significance for Inborn genetic diseases. Last evaluated: 2024-04-23. Review status: criteria provided, single submitter. Criteria: Ambry Variant Classification Scheme 2023. Collection method: clinical testing. Allele origin: germline.

GeneDx
Classification: Likely benign. Last evaluated: 2020-10-26. Review status: criteria provided, single submitter. Criteria: GeneDx Variant Classification Process June 2021. Collection method: clinical testing. Allele origin: germline. Affected: yes.

PreventionGenetics, part of Exact Sciences
Classification: Likely benign for DNA2-related condition. Last evaluated: 2021-10-14. Review status: no assertion criteria provided. Collection method: clinical testing. Allele origin: germline. Not counted in ClinVar's aggregate classification.
Comment: This variant is classified as likely benign based on ACMG/AMP sequence variant interpretation guidelines (Richards et al. 2015 PMID: 25741868, with internal and published modifications).

Mayo Clinic Laboratories, Mayo Clinic
Classification: Uncertain significance. Last evaluated: 2016-02-22. Review status: no assertion criteria provided. Collection method: clinical testing. Allele origin: unknown. Not counted in ClinVar's aggregate classification.

Clinical Genetics DNA and cytogenetics Diagnostics Lab, Erasmus MC, Erasmus Medical Center
Classification: Likely benign. Review status: no assertion criteria provided. Collection method: clinical testing. Allele origin: germline. Affected: yes. Study: VKGL Data-share Consensus. Not counted in ClinVar's aggregate classification.

Joint Genome Diagnostic Labs from Nijmegen and Maastricht, Radboudumc and MUMC+
Classification: Likely benign. Review status: no assertion criteria provided. Collection method: clinical testing. Allele origin: germline. Affected: yes. Study: VKGL Data-share Consensus. Not counted in ClinVar's aggregate classification.

NM_001080449.3(DNA2):c.1796G>A (p.Arg599His)

Gene: DNA2 (DNA replication helicase/nuclease 2; minus strand). Cytogenetic location: 10q21.3.
Variant type: single nucleotide variant.
Coding change: c.1796G>A on transcript NM_001080449.3 (MANE Select); coding-DNA position 1796, G replaced by A.
Protein change: p.Arg599His; replaces arginine 599 with histidine.
Molecular consequence: missense variant. On other transcripts: non-coding transcript variant (1).
Genome position (GRCh38, 1-based): chr10:68,432,283, C>T on the plus strand (G>A on the coding strand, the complement: DNA2 is on the minus strand). VCF-style: chr10-68432283-C-T. GRCh37 (hg19) VCF-style: chr10-70192040-C-T.
Other names: short protein forms R599H.
Identifiers: ClinVar variation 424948 (VCV000424948.62), dbSNP rs201999986, ClinGen allele CA5524972.